The following is an entry in ClinVar:

NM_004055.5(CAPN5):c.1084G>A (p.Ala362Thr)

Gene: CAPN5 (calpain 5; plus strand). Cytogenetic location: 11q13.5.
Variant type: single nucleotide variant.
Coding change: c.1084G>A on transcript NM_004055.5 (MANE Select); coding-DNA position 1084, G replaced by A.
Protein change: p.Ala362Thr; replaces alanine 362 with threonine.
Molecular consequence: missense variant.
Genome position (GRCh38, 1-based): chr11:77,118,269, G>A. VCF-style: chr11-77118269-G-A. GRCh37 (hg19) VCF-style: chr11-76829315-G-A.
Other names: short protein forms A362T.
Identifiers: ClinVar variation 834734 (VCV000834734.9), dbSNP rs782466794, ClinGen allele CA6196681.

ClinVar aggregate classification (germline): Uncertain significance (1 of 4 stars; one submission).

Allele frequency attached by ClinVar (database versions not stated): TOPMed below 0.00001; ExAC 0.00001; gnomAD 0.00001; gnomAD exomes 0.00001.
gnomAD v4.1: 16 of 1,613,878 alleles (0.00099%); highest among the groups gnomAD compares: Middle Eastern, 0.033%; no homozygotes.

Submission:

Labcorp Genetics (formerly Invitae), Labcorp
Classification: Uncertain significance. Last evaluated: 2024-12-19. Review status: criteria provided, single submitter. Criteria: Invitae Variant Classification Sherloc (09022015). Collection method: clinical testing. Allele origin: germline.
Comment: This sequence change replaces alanine, which is neutral and non-polar, with threonine, which is neutral and polar, at codon 362 of the CAPN5 protein (p.Ala362Thr). This variant is present in population databases (rs782466794, gnomAD 0.003%). This variant has not been reported in the literature in individuals affected with CAPN5-related conditions. ClinVar contains an entry for this variant (Variation ID: 834734). Invitae Evidence Modeling of protein sequence and biophysical properties (such as structural, functional, and spatial information, amino acid conservation, physicochemical variation, residue mobility, and thermodynamic stability) indicates that this missense variant is not expected to disrupt CAPN5 protein function with a negative predictive value of 80%. In summary, the available evidence is currently insufficient to determine the role of this variant in disease. Therefore, it has been classified as a Variant of Uncertain Significance.